The following is an entry in ClinVar:

NM_004181.5(UCHL1):c.22_23dup (p.Asn9fs)

Gene: UCHL1 (ubiquitin C-terminal hydrolase L1; plus strand). Cytogenetic location: 4p13.
Variant type: Duplication.
Coding change: c.22_23dup on transcript NM_004181.5 (MANE Select); coding-DNA positions 22 to 23, 2 bases duplicated (AT; older notation c.22_23dupAT).
Protein change: p.Asn9fs; shifts the reading frame from asparagine 9.
Molecular consequence: frameshift variant.
Genome position (GRCh38, 1-based): chr4:41,256,998-41,256,999, AT duplicated. VCF-style (leftmost placement, unchanged base first): chr4-41256997-G-GAT. GRCh37 (hg19) VCF-style: chr4-41259014-G-GAT.
Other names: short protein forms N9fs.
Identifiers: ClinVar variation 5000718 (VCV005000718.1).
Genomic context (GRCh38, chr4:41,256,997, plus strand): 5'-TCGTCTTCCCTAGGCTATTTCTGCCGGGCGCTCCGCGAAGATGCAGCTCAAGCCGATGGA[G>GAT]ATCAACCCCGAGGTGAGCGCCAGGTGCACCGCTACCCGGAGAGCGCGAGGCCGAGGGAGG-3'

ClinVar aggregate classification (germline): Likely pathogenic (1 of 4 stars; one submission).

Conditions:
UCHL1-related disorder. Also called: UCHL1-related condition.

Submission:

PreventionGenetics, part of Exact Sciences
Classification: Likely pathogenic for UCHL1-related condition. Last evaluated: 2025-07-18. Review status: criteria provided, single submitter. Criteria: ACMG Guidelines, 2015. Collection method: clinical testing. Allele origin: germline.
Comment: The UCHL1 c.22_23dupAT variant is predicted to result in a frameshift and premature protein termination (p.Asn9Serfs*6). To our knowledge, this variant has not been reported in the literature. This variant is absent in a large population database (gnomAD), indicating this variant is rare. Frameshift variants in UCHL1 are an established mechanism of autosomal dominant disease. This variant is interpreted as likely pathogenic.